The following is an entry in ClinVar:

NM_032242.4(PLXNA1):c.3795C>T (p.Ile1265=)

Gene: PLXNA1 (plexin A1; plus strand). Cytogenetic location: 3q21.3.
Variant type: single nucleotide variant.
Coding change: c.3795C>T on transcript NM_032242.4 (MANE Select); coding-DNA position 3795, C replaced by T.
Protein change: p.Ile1265=; no amino-acid change (isoleucine 1265 retained).
Molecular consequence: synonymous variant.
Genome position (GRCh38, 1-based): chr3:127,018,428, C>T. VCF-style: chr3-127018428-C-T. GRCh37 (hg19) VCF-style: chr3-126737271-C-T.
Identifiers: ClinVar variation 4987989 (VCV004987989.1).

ClinVar aggregate classification (germline): Likely benign (1 of 4 stars; one submission).

Conditions:
PLXNA1-related disorder. Also called: PLXNA1-related condition.

gnomAD v4.1: 29 of 1,612,902 alleles (0.0018%); highest among the groups gnomAD compares: Admixed American, 0.01%; no homozygotes.

Submission:

PreventionGenetics, part of Exact Sciences
Classification: Likely benign for PLXNA1-related condition. Last evaluated: 2025-07-25. Review status: criteria provided, single submitter. Criteria: ACMG Guidelines, 2015. Collection method: clinical testing. Allele origin: germline.
Comment: This variant is classified as likely benign based on ACMG/AMP sequence variant interpretation guidelines (Richards et al. 2015 PMID: 25741868, with internal and published modifications).